The following is an entry in ClinVar:

NM_138694.4(PKHD1):c.11465G>A (p.Gly3822Glu)

Gene: PKHD1 (PKHD1 ciliary IPT domain containing fibrocystin/polyductin; minus strand). Cytogenetic location: 6p12.3.
Variant type: single nucleotide variant.
Coding change: c.11465G>A on transcript NM_138694.4 (MANE Select); coding-DNA position 11465, G replaced by A.
Protein change: p.Gly3822Glu; replaces glycine 3822 with glutamic acid.
Molecular consequence: missense variant.
Genome position (GRCh38, 1-based): chr6:51,638,890, C>T on the plus strand (G>A on the coding strand, the complement: PKHD1 is on the minus strand). VCF-style: chr6-51638890-C-T. GRCh37 (hg19) VCF-style: chr6-51503688-C-T.
Other names: short protein forms G3822E.
Identifiers: ClinVar variation 1023103 (VCV001023103.12), dbSNP rs906560282, ClinGen allele CA138884650.
Genomic context (GRCh38, chr6:51,638,890, plus strand): 5'-GCACACTGTATAAAATTACCTGGAGGAGAAGTGACAGTAAAAATAAAGTGCCAGTTTGAC[C>T]CAGAGATCAAGACTGCCAAGTTGTAGAAGCTAACATAACCATCTTGAGTTTCTGCCTGGG-3'
Protein context (NP_619639.3, residues 3812-3832): SFYNLAVLIS[Gly3822Glu]SNWHFIFTVT

ClinVar aggregate classification (germline): Uncertain significance. Review status: criteria provided, single submitter (1 of 4 stars). 2 submissions from 2 submitters: Uncertain significance (1). 1 of the submissions does not count toward it. Last evaluated 2021-09-01.

Conditions:
Autosomal recessive polycystic kidney disease (ARPKD). Also called: AR polycystic kidney disease. Identifiers: Orphanet 731, Orphanet 8378, MedGen C0085548, MeSH D017044, MONDO:0009889.

Allele frequency attached by ClinVar (database versions not stated): gnomAD exomes 0.00001.
gnomAD v4.1: 9 of 1,613,180 alleles (0.00056%); highest among the groups gnomAD compares: Admixed American, 0.012%; no homozygotes.

Submissions (2):

Labcorp Genetics (formerly Invitae), Labcorp
Classification: Uncertain significance for Autosomal recessive polycystic kidney disease. Last evaluated: 2021-09-01. Review status: criteria provided, single submitter. Criteria: Invitae Variant Classification Sherloc (09022015). Collection method: clinical testing. Allele origin: germline.
Comment: This sequence change replaces glycine with glutamic acid at codon 3822 of the PKHD1 protein (p.Gly3822Glu). The glycine residue is moderately conserved and there is a moderate physicochemical difference between glycine and glutamic acid. This variant is not present in population databases (ExAC no frequency). This variant has not been reported in the literature in individuals affected with PKHD1-related conditions. Algorithms developed to predict the effect of missense changes on protein structure and function are either unavailable or do not agree on the potential impact of this missense change (SIFT: "Deleterious"; PolyPhen-2: "Probably Damaging"; Align-GVGD: "Class C0"). In summary, the available evidence is currently insufficient to determine the role of this variant in disease. Therefore, it has been classified as a Variant of Uncertain Significance.

Natera, Inc.
Classification: Uncertain significance for Autosomal recessive polycystic kidney disease. Last evaluated: 2019-02-25. Review status: no assertion criteria provided. Collection method: clinical testing. Allele origin: germline. Not counted in ClinVar's aggregate classification.